The following is an entry in ClinVar:

NC_000002.11:g.(?_179555009)_(179560143_?)del

Gene: TTN (titin; minus strand). Cytogenetic location: 2q31.2.
Variant type: Deletion.
Identifiers: ClinVar variation 2424034 (VCV002424034.6).

ClinVar aggregate classification (germline): Uncertain significance (1 of 4 stars; one submission).

Conditions:
Dilated cardiomyopathy 1G (CMD1G). Identifiers: Orphanet 154, MedGen C1858763, MONDO:0011400, OMIM 604145.
Autosomal recessive limb-girdle muscular dystrophy type 2J (LGMDR10). Also called: MUSCULAR DYSTROPHY, LIMB-GIRDLE, AUTOSOMAL RECESSIVE 10; Limb-girdle muscular dystrophy, type 2J. Identifiers: Orphanet 140922, MedGen C1837342, MONDO:0012127, OMIM 608807.

Submission:

Labcorp Genetics (formerly Invitae), Labcorp
Classification: Uncertain significance for Dilated cardiomyopathy 1G; Autosomal recessive limb-girdle muscular dystrophy type 2J. Last evaluated: 2024-01-02. Review status: criteria provided, single submitter. Criteria: Invitae Variant Classification Sherloc (09022015). Collection method: clinical testing. Allele origin: germline.
Comment: This variant is a gross deletion of the genomic region encompassing exon(s) 115-121 of the TTN gene. This variant would be expected to be in-frame, preserving the integrity of the reading frame. This variant has not been reported in the literature in individuals affected with TTN-related conditions. This variant disrupts the I band of TTN (PMID: 25589632). Copy number variants in TTN have been previously reported in individuals affected with neuromuscular disorders (PMID: 29792937, 30238059), but the functional significance of this variant is currently unknown. In summary, the available evidence is currently insufficient to determine the role of this variant in disease. Therefore, it has been classified as a Variant of Uncertain Significance.

Literature cited by the submitters: PubMed 25589632; PubMed 29792937; PubMed 30238059.